The following is an entry in ClinVar:

ClinVar aggregate classification (germline): Uncertain significance (1 of 4 stars; one submission).

Allele frequency attached by ClinVar (database versions not stated): gnomAD exomes below 0.00001.
gnomAD v4.1: 2 of 1,212,317 alleles (0.00016%); highest among the groups gnomAD compares: Non-Finnish European, 0.00011%; no homozygotes.

Submission:

Labcorp Genetics (formerly Invitae), Labcorp
Classification: Uncertain significance. Last evaluated: 2024-04-29. Review status: criteria provided, single submitter. Criteria: Invitae Variant Classification Sherloc (09022015). Collection method: clinical testing. Allele origin: germline.
Comment: This sequence change replaces aspartic acid, which is acidic and polar, with glutamic acid, which is acidic and polar, at codon 307 of the AMER1 protein (p.Asp307Glu). This variant is not present in population databases (gnomAD no frequency). This variant has not been reported in the literature in individuals affected with AMER1-related conditions. ClinVar contains an entry for this variant (Variation ID: 1991619). An algorithm developed to predict the effect of missense changes on protein structure and function (PolyPhen-2) suggests that this variant is likely to be disruptive. In summary, the available evidence is currently insufficient to determine the role of this variant in disease. Therefore, it has been classified as a Variant of Uncertain Significance.

NM_152424.4(AMER1):c.921C>A (p.Asp307Glu)

Gene: AMER1 (APC membrane recruitment protein 1; minus strand). Cytogenetic location: Xq11.2.
Variant type: single nucleotide variant.
Coding change: c.921C>A on transcript NM_152424.4 (MANE Select); coding-DNA position 921, C replaced by A.
Protein change: p.Asp307Glu; replaces aspartic acid 307 with glutamic acid.
Molecular consequence: missense variant.
Genome position (GRCh38, 1-based): chrX:64,192,366, G>T on the plus strand (C>A on the coding strand, the complement: AMER1 is on the minus strand). VCF-style: chrX-64192366-G-T. GRCh37 (hg19) VCF-style: chrX-63412246-G-T.
Other names: short protein forms D307E.
Identifiers: ClinVar variation 1991619 (VCV001991619.4), dbSNP rs2147089460, ClinGen allele CA413308949.